The following is an entry in ClinVar:

ClinVar aggregate classification (germline): Uncertain significance. Review status: criteria provided, multiple submitters, no conflicts (2 of 4 stars). 2 submissions from 2 submitters: Uncertain significance (2). Last evaluated 2024-05-08.

Conditions:
Charcot-Marie-Tooth disease axonal type 2O. Also called: CHARCOT-MARIE-TOOTH NEUROPATHY, AXONAL, TYPE 2O; CHARCOT-MARIE-TOOTH DISEASE, AXONAL, AUTOSOMAL DOMINANT, TYPE 2O; Charcot-Marie-Tooth Neuropathy Type 2O; Charcot-Marie-Tooth disease, axonal, type 20. Identifiers: Orphanet 284232, MedGen C3280220, MONDO:0013644, OMIM 614228.

Submissions (2):

GeneDx
Classification: Uncertain significance. Last evaluated: 2024-05-08. Review status: criteria provided, single submitter. Criteria: GeneDx Variant Classification Process June 2021. Collection method: clinical testing. Allele origin: germline. Affected: yes.
Comment: Not observed at significant frequency in large population cohorts (gnomAD); In silico analysis indicates that this missense variant does not alter protein structure/function; Has not been previously published as pathogenic or benign to our knowledge; This variant is associated with the following publications: (PMID: 26100331, 25512093, 25609763)

Labcorp Genetics (formerly Invitae), Labcorp
Classification: Uncertain significance for Charcot-Marie-Tooth disease axonal type 2O. Last evaluated: 2021-08-12. Review status: criteria provided, single submitter. Criteria: Invitae Variant Classification Sherloc (09022015). Collection method: clinical testing. Allele origin: germline.
Comment: In summary, the available evidence is currently insufficient to determine the role of this variant in disease. Therefore, it has been classified as a Variant of Uncertain Significance. Algorithms developed to predict the effect of sequence changes on RNA splicing suggest that this variant may create or strengthen a splice site, but this prediction has not been confirmed by published transcriptional studies. Advanced modeling of protein sequence and biophysical properties (such as structural, functional, and spatial information, amino acid conservation, physicochemical variation, residue mobility, and thermodynamic stability) performed at Invitae indicates that this missense variant is not expected to disrupt DYNC1H1 protein function. This variant has not been reported in the literature in individuals with DYNC1H1-related conditions. This variant is not present in population databases (ExAC no frequency). This sequence change replaces leucine with valine at codon 1135 of the DYNC1H1 protein (p.Leu1135Val). The leucine residue is highly conserved and there is a small physicochemical difference between leucine and valine.

NM_001376.5(DYNC1H1):c.3403C>G (p.Leu1135Val)

Gene: DYNC1H1 (dynein cytoplasmic 1 heavy chain 1; plus strand). Cytogenetic location: 14q32.31.
Variant type: single nucleotide variant.
Coding change: c.3403C>G on transcript NM_001376.5 (MANE Select); coding-DNA position 3403, C replaced by G.
Protein change: p.Leu1135Val; replaces leucine 1135 with valine.
Molecular consequence: missense variant.
Genome position (GRCh38, 1-based): chr14:101,995,055, C>G. VCF-style: chr14-101995055-C-G. GRCh37 (hg19) VCF-style: chr14-102461392-C-G.
Other names: c.3403C>G (NM_001376.4); short protein forms L1135V.
Identifiers: ClinVar variation 1464443 (VCV001464443.9), dbSNP rs2141280981, ClinGen allele CA391033969.